The following is an entry in ClinVar:

ClinVar aggregate classification (germline): Uncertain significance (1 of 4 stars; one submission).

Conditions:
Cardiovascular phenotype. Identifiers: MedGen CN230736.

Allele frequency attached by ClinVar (database versions not stated): gnomAD exomes below 0.00001; ExAC 0.00001; gnomAD 0.00001; TOPMed 0.00001; ESP Exome Variant Server 0.00008.
gnomAD v4.1: 4 of 1,614,044 alleles (0.00025%); highest among the groups gnomAD compares: Non-Finnish European, 0.00034%; no homozygotes.

Submission:

Ambry Genetics
Classification: Uncertain significance for Cardiovascular phenotype. Last evaluated: 2022-03-16. Review status: criteria provided, single submitter. Criteria: Ambry Variant Classification Scheme 2023. Collection method: clinical testing. Allele origin: germline.
Comment: The p.D1031G variant (also known as c.3092A>G), located in coding exon 23 of the LAMA4 gene, results from an A to G substitution at nucleotide position 3092. The aspartic acid at codon 1031 is replaced by glycine, an amino acid with similar properties. This amino acid position is conserved. In addition, this alteration is predicted to be tolerated by in silico analysis. Since supporting evidence is limited at this time, the clinical significance of this alteration remains unclear.

NM_001105206.3(LAMA4):c.3113A>G (p.Asp1038Gly)

Gene: LAMA4 (laminin subunit alpha 4; minus strand). Cytogenetic location: 6q21.
Variant type: single nucleotide variant.
Coding change: c.3113A>G on transcript NM_001105206.3 (MANE Select); coding-DNA position 3113, A replaced by G.
Protein change: p.Asp1038Gly; replaces aspartic acid 1038 with glycine.
Molecular consequence: missense variant.
Genome position (GRCh38, 1-based): chr6:112,139,289, T>C on the plus strand (A>G on the coding strand, the complement: LAMA4 is on the minus strand). VCF-style: chr6-112139289-T-C. GRCh37 (hg19) VCF-style: chr6-112460491-T-C.
Other names: c.3092A>G, p.Asp1031Gly (NM_001105207.3, NM_002290.5); short protein forms D1031G, D1038G.
Identifiers: ClinVar variation 1727474 (VCV001727474.2), dbSNP rs373541276, ClinGen allele CA3965302.
Genomic context (GRCh38, chr6:112,139,289, plus strand): 5'-GCATAACCGGAGCCATCGAAGAAGTAACTGGCAGCCCGACTCTGAGTGAAGGCCAGCTTA[T>C]CTCTGAAATGGAAACACAACGGTCATTTGAACACTACAGTTTCTGTTATGCTTTTCAAGT-3'
Protein context (NP_001098676.2, residues 1028-1048): DPSTSVPCAR[Asp1038Gly]KLAFTQSRAA